The following is an entry in ClinVar:

NM_004994.3(MMP9):c.734C>T (p.Thr245Ile)

Gene: MMP9 (matrix metallopeptidase 9; plus strand). Cytogenetic location: 20q13.12.
Variant type: single nucleotide variant.
Coding change: c.734C>T on transcript NM_004994.3 (MANE Select); coding-DNA position 734, C replaced by T.
Protein change: p.Thr245Ile; replaces threonine 245 with isoleucine.
Molecular consequence: missense variant.
Genome position (GRCh38, 1-based): chr20:46,011,227, C>T. VCF-style: chr20-46011227-C-T. GRCh37 (hg19) VCF-style: chr20-44639866-C-T.
Other names: short protein forms T245I.
Identifiers: ClinVar variation 1360646 (VCV001360646.8), dbSNP rs1265778843, ClinGen allele CA409213544.

ClinVar aggregate classification (germline): Uncertain significance (1 of 4 stars; one submission).

Allele frequency attached by ClinVar (database versions not stated): TOPMed below 0.00001; gnomAD 0.00001.
gnomAD v4.1: 1 of 1,613,604 alleles (0.000062%); highest among the groups gnomAD compares: African/African-American, 0.0013%; no homozygotes.

Submission:

Labcorp Genetics (formerly Invitae), Labcorp
Classification: Uncertain significance. Last evaluated: 2021-04-16. Review status: criteria provided, single submitter. Criteria: Invitae Variant Classification Sherloc (09022015). Collection method: clinical testing. Allele origin: germline.
Comment: In summary, the available evidence is currently insufficient to determine the role of this variant in disease. Therefore, it has been classified as a Variant of Uncertain Significance. Algorithms developed to predict the effect of missense changes on protein structure and function are either unavailable or do not agree on the potential impact of this missense change (SIFT: "Tolerated"; PolyPhen-2: "Probably Damaging"; Align-GVGD: "Class C0"). This variant has not been reported in the literature in individuals with MMP9-related conditions. This variant is not present in population databases (ExAC no frequency). This sequence change replaces threonine with isoleucine at codon 245 of the MMP9 protein (p.Thr245Ile). The threonine residue is moderately conserved and there is a moderate physicochemical difference between threonine and isoleucine.